The following is an entry in ClinVar:

ClinVar aggregate classification (germline): Uncertain significance (1 of 4 stars; one submission).

Submission:

Labcorp Genetics (formerly Invitae), Labcorp
Classification: Uncertain significance. Last evaluated: 2022-04-01. Review status: criteria provided, single submitter. Criteria: Invitae Variant Classification Sherloc (09022015). Collection method: clinical testing. Allele origin: germline.
Comment: In summary, the available evidence is currently insufficient to determine the role of this variant in disease. Therefore, it has been classified as a Variant of Uncertain Significance. Algorithms developed to predict the effect of missense changes on protein structure and function are either unavailable or do not agree on the potential impact of this missense change (SIFT: "Deleterious"; PolyPhen-2: "Benign"; Align-GVGD: "Class C25"). This variant has not been reported in the literature in individuals affected with MRAS-related conditions. This variant is not present in population databases (gnomAD no frequency). This sequence change replaces lysine, which is basic and polar, with threonine, which is neutral and polar, at codon 186 of the MRAS protein (p.Lys186Thr).

NM_001085049.3(MRAS):c.557A>C (p.Lys186Thr)

Gene: MRAS (muscle RAS oncogene homolog; plus strand). Cytogenetic location: 3q22.3.
Variant type: single nucleotide variant.
Coding change: c.557A>C on transcript NM_001085049.3 (MANE Select); coding-DNA position 557, A replaced by C.
Protein change: p.Lys186Thr; replaces lysine 186 with threonine.
Molecular consequence: missense variant.
Genome position (GRCh38, 1-based): chr3:138,402,199, A>C. VCF-style: chr3-138402199-A-C. GRCh37 (hg19) VCF-style: chr3-138121041-A-C.
Other names: c.557A>C, p.Lys186Thr (NM_001252090.2, NM_012219.4); c.329A>C, p.Lys110Thr (NM_001252091.1, NM_001252092.2, NM_001252093.2); short protein forms K186T, K110T.
Identifiers: ClinVar variation 2120154 (VCV002120154.4), dbSNP rs2474169689, ClinGen allele CA354677779.